The following is an entry in ClinVar:

ClinVar aggregate classification (germline): Uncertain significance. Review status: criteria provided, multiple submitters, no conflicts (2 of 4 stars). 3 submissions from 3 submitters: Uncertain significance (3). Last evaluated 2025-08-04.

Conditions:
Charcot-Marie-Tooth disease type 2. Also called: Charcot-Marie-Tooth type 2. Identifiers: Orphanet 64746, MedGen C0270914, MONDO:0018993.
Inborn genetic diseases. Identifiers: MedGen C0950123, MeSH D030342.

Allele frequency attached by ClinVar (database versions not stated): gnomAD exomes 0.00001; ExAC 0.00001.
gnomAD v4.1: 20 of 1,614,042 alleles (0.0012%); highest among the groups gnomAD compares: South Asian, 0.015%; no homozygotes.

Submissions (3):

Ambry Genetics
Classification: Uncertain significance for Inborn genetic diseases. Last evaluated: 2025-08-04. Review status: criteria provided, single submitter. Criteria: Ambry Variant Classification Scheme 2023. Collection method: clinical testing. Allele origin: germline.

Revvity Omics, Revvity
Classification: Uncertain significance. Last evaluated: 2025-06-19. Review status: criteria provided, single submitter. Criteria: ACMG Guidelines, 2015. Collection method: clinical testing. Allele origin: germline.

Labcorp Genetics (formerly Invitae), Labcorp
Classification: Uncertain significance for Charcot-Marie-Tooth disease type 2. Last evaluated: 2024-04-18. Review status: criteria provided, single submitter. Criteria: Invitae Variant Classification Sherloc (09022015). Collection method: clinical testing. Allele origin: germline.
Comment: This sequence change replaces lysine, which is basic and polar, with arginine, which is basic and polar, at codon 432 of the AARS protein (p.Lys432Arg). This variant is present in population databases (rs758372672, gnomAD 0.006%). This variant has not been reported in the literature in individuals affected with AARS-related conditions. ClinVar contains an entry for this variant (Variation ID: 1799888). Advanced modeling of protein sequence and biophysical properties (such as structural, functional, and spatial information, amino acid conservation, physicochemical variation, residue mobility, and thermodynamic stability) performed at Invitae indicates that this missense variant is not expected to disrupt AARS protein function with a negative predictive value of 95%. In summary, the available evidence is currently insufficient to determine the role of this variant in disease. Therefore, it has been classified as a Variant of Uncertain Significance.

NM_001605.3(AARS1):c.1295A>G (p.Lys432Arg)

Gene: AARS1 (alanyl-tRNA synthetase 1; minus strand). Cytogenetic location: 16q22.1.
Variant type: single nucleotide variant.
Coding change: c.1295A>G on transcript NM_001605.3 (MANE Select); coding-DNA position 1295, A replaced by G.
Protein change: p.Lys432Arg; replaces lysine 432 with arginine.
Molecular consequence: missense variant.
Genome position (GRCh38, 1-based): chr16:70,265,590, T>C on the plus strand (A>G on the coding strand, the complement: AARS1 is on the minus strand). VCF-style: chr16-70265590-T-C. GRCh37 (hg19) VCF-style: chr16-70299493-T-C.
Other names: short protein forms K432R.
Identifiers: ClinVar variation 1799888 (VCV001799888.7), dbSNP rs758372672, ClinGen allele CA8140859.